The following is an entry in ClinVar:

ClinVar aggregate classification (germline): Likely pathogenic (1 of 4 stars; one submission).

Submission:

GeneDx
Classification: Likely pathogenic. Last evaluated: 2022-06-02. Review status: criteria provided, single submitter. Criteria: GeneDx Variant Classification Process June 2021. Collection method: clinical testing. Allele origin: germline. Affected: yes.
Comment: Identified in individuals with Kabuki syndrome in the published literature (Faundes et al., 2019; Murakami et al., 2020), please note this variant is also referred to as p.(Cys1400Phe) by Murakami et al.; Reported as a somatic variant in an esophagus carcinoma (Faundes et al., 2019); In silico analysis supports that this missense variant has a deleterious effect on protein structure/function; Not observed at significant frequency in large population cohorts (gnomAD); This variant is associated with the following publications: (PMID: 30459467, 32803813)

NM_003482.4(KMT2D):c.4198T>C (p.Cys1400Arg)

Gene: KMT2D (lysine methyltransferase 2D; minus strand). Cytogenetic location: 12q13.12.
Variant type: single nucleotide variant.
Coding change: c.4198T>C on transcript NM_003482.4 (MANE Select); coding-DNA position 4198, T replaced by C.
Protein change: p.Cys1400Arg; replaces cysteine 1400 with arginine.
Molecular consequence: missense variant.
Genome position (GRCh38, 1-based): chr12:49,048,003, A>G on the plus strand (T>C on the coding strand, the complement: KMT2D is on the minus strand). VCF-style: chr12-49048003-A-G. GRCh37 (hg19) VCF-style: chr12-49441786-A-G.
Other names: short protein forms C1400R.
Identifiers: ClinVar variation 1802001 (VCV001802001.1), dbSNP rs2120620126, ClinGen allele CA384649325.
Genomic context (GRCh38, chr12:49,048,003, plus strand): 5'-ACCTCTTGGGCCCTGAACTCACCTTGCTGTTGACACAGTAAGGGTGATAGCACTGAGAGC[A>G]CTGCGAACAGGCAAGGAGGTGGCCCTCTGCCCCCCGGCCAAAGCTGCCACATACCACACA-3'
Protein context (NP_003473.3, residues 1390-1410): AEGHLLACSQ[Cys1400Arg]SQCYHPYCVN